The following is an entry in ClinVar:

NM_002225.5(IVD):c.509G>A (p.Gly170Asp)

Gene: IVD (isovaleryl-CoA dehydrogenase; plus strand). Cytogenetic location: 15q15.1.
Variant type: single nucleotide variant.
Coding change: c.509G>A on transcript NM_002225.5 (MANE Select); coding-DNA position 509, G replaced by A.
Protein change: p.Gly170Asp; replaces glycine 170 with aspartic acid.
Molecular consequence: missense variant. On other transcripts: non-coding transcript variant (1).
Genome position (GRCh38, 1-based): chr15:40,411,312, G>A. VCF-style: chr15-40411312-G-A. GRCh37 (hg19) VCF-style: chr15-40703511-G-A.
Other names: c.419G>A, p.Gly140Asp (NM_001159508.3); c.461G>A, p.Gly154Asp (NM_001354597.3); c.509G>A, p.Gly170Asp (NM_001354598.3, NM_001354601.3); c.596G>A, p.Gly199Asp (NM_001354599.3, NM_001354600.3); short protein forms G140D, G154D, G170D, G199D.
Identifiers: ClinVar variation 3896215 (VCV003896215.2).
Genomic context (GRCh38, chr15:40,411,312, plus strand): 5'-CCTTGCAGCTGATCAGTGGTGAGTACATCGGAGCCCTGGCCATGAGTGAGCCCAATGCAG[G>A]CTCTGATGTTGTCTCTATGAAGCTCAAAGCGGAAAAGAAAGGTGAGGCCACTCTCAACTT-3'
Protein context (NP_002216.3, residues 160-180): GALAMSEPNA[Gly170Asp]SDVVSMKLKA

ClinVar aggregate classification (germline): Uncertain significance (1 of 4 stars; one submission).

Submission:

Women's Health and Genetics/Laboratory Corporation of America, LabCorp
Classification: Uncertain significance. Last evaluated: 2025-04-16. Review status: criteria provided, single submitter. Criteria: LabCorp Variant Classification Summary - May 2015. Collection method: clinical testing. Allele origin: germline.
Comment: Variant summary: IVD c.509G>A (p.Gly170Asp) results in a non-conservative amino acid change in the encoded protein sequence. Five of five in-silico tools predict a damaging effect of the variant on protein function. The variant was absent in 251466 control chromosomes. The available data on variant occurrences in the general population are insufficient to allow any conclusion about variant significance. To our knowledge, no occurrence of c.509G>A in individuals affected with Isovaleryl-CoA Dehydrogenase Deficiency and no experimental evidence demonstrating its impact on protein function have been reported. No submitters have cited clinical-significance assessments for this variant to ClinVar. Based on the evidence outlined above, the variant was classified as uncertain significance.